The following is an entry in ClinVar:

NM_005477.3(HCN4):c.1574G>A (p.Arg525His)

Gene: HCN4 (hyperpolarization activated cyclic nucleotide gated potassium channel 4; minus strand). Cytogenetic location: 15q24.1.
Variant type: single nucleotide variant.
Coding change: c.1574G>A on transcript NM_005477.3 (MANE Select); coding-DNA position 1574, G replaced by A.
Protein change: p.Arg525His; replaces arginine 525 with histidine.
Molecular consequence: missense variant.
Genome position (GRCh38, 1-based): chr15:73,329,589, C>T on the plus strand (G>A on the coding strand, the complement: HCN4 is on the minus strand). VCF-style: chr15-73329589-C-T. GRCh37 (hg19) VCF-style: chr15-73621930-C-T.
Other names: c.1574G>A (NM_005477.2); short protein forms R525H.
Identifiers: ClinVar variation 2089702 (VCV002089702.5), dbSNP rs763669122, ClinGen allele CA7649278.

ClinVar aggregate classification (germline): Uncertain significance. Review status: criteria provided, multiple submitters, no conflicts (2 of 4 stars). 2 submissions from 2 submitters: Uncertain significance (2). Last evaluated 2025-05-24.

Conditions:
Cardiovascular phenotype. Identifiers: MedGen CN230736.
Brugada syndrome 8 (BRGDA8). Identifiers: Orphanet 130, MedGen C2751083, MONDO:0013148, OMIM 613123.

Allele frequency attached by ClinVar (database versions not stated): gnomAD exomes below 0.00001; ExAC 0.00001.
gnomAD v4.1: 1 of 1,614,056 alleles (0.000062%); highest among the groups gnomAD compares: Non-Finnish European, 0.000085%; no homozygotes.

Submissions (2):

Ambry Genetics
Classification: Uncertain significance for Cardiovascular phenotype. Last evaluated: 2025-05-24. Review status: criteria provided, single submitter. Criteria: Ambry Variant Classification Scheme 2023. Collection method: clinical testing. Allele origin: germline.
Comment: The p.R525H variant (also known as c.1574G>A), located in coding exon 4 of the HCN4 gene, results from a G to A substitution at nucleotide position 1574. The arginine at codon 525 is replaced by histidine, an amino acid with highly similar properties. This amino acid position is conserved. In addition, this alteration is predicted to be deleterious by in silico analysis. Based on the available evidence, the clinical significance of this variant remains unclear.

Labcorp Genetics (formerly Invitae), Labcorp
Classification: Uncertain significance for Brugada syndrome 8. Last evaluated: 2022-04-16. Review status: criteria provided, single submitter. Criteria: Invitae Variant Classification Sherloc (09022015). Collection method: clinical testing. Allele origin: germline.
Comment: Advanced modeling of protein sequence and biophysical properties (such as structural, functional, and spatial information, amino acid conservation, physicochemical variation, residue mobility, and thermodynamic stability) performed at Invitae indicates that this missense variant is expected to disrupt HCN4 protein function. In summary, the available evidence is currently insufficient to determine the role of this variant in disease. Therefore, it has been classified as a Variant of Uncertain Significance. This variant has not been reported in the literature in individuals affected with HCN4-related conditions. This variant is present in population databases (rs763669122, gnomAD 0.0009%). This sequence change replaces arginine, which is basic and polar, with histidine, which is basic and polar, at codon 525 of the HCN4 protein (p.Arg525His).